The following is an entry in ClinVar:

NM_172107.4(KCNQ2):c.1065C>A (p.Asp355Glu)

Gene: KCNQ2 (potassium voltage-gated channel subfamily Q member 2; minus strand). Cytogenetic location: 20q13.33.
Variant type: single nucleotide variant.
Coding change: c.1065C>A on transcript NM_172107.4 (MANE Select); coding-DNA position 1065, C replaced by A.
Protein change: p.Asp355Glu; replaces aspartic acid 355 with glutamic acid.
Molecular consequence: missense variant.
Genome position (GRCh38, 1-based): chr20:63,433,862, G>T on the plus strand (C>A on the coding strand, the complement: KCNQ2 is on the minus strand). VCF-style: chr20-63433862-G-T. GRCh37 (hg19) VCF-style: chr20-62065215-G-T.
Other names: c.1065C>A, p.Asp355Glu (NM_001382235.1, NM_004518.6, NM_172106.3 and 2 more transcripts); short protein forms D355E.
Identifiers: ClinVar variation 963965 (VCV000963965.10), dbSNP rs200395340, ClinGen allele CA409651166.
Genomic context (GRCh38, chr20:63,433,862, plus strand): 5'-GCGGTACCTGTACATGGGCACGGTGACCGTTCGCTCGTAGTACTGCCACGTGGAGTGCAG[G>T]TCTGTGCGCGAGAGGTTGGTGGCGTAGAATCTCCAGGCCGACTGCGGAGGGAAAGACAAG-3'
Protein context (NP_742105.1, residues 345-365): RFYATNLSRT[Asp355Glu]LHSTWQYYER

ClinVar aggregate classification (germline): Likely pathogenic (1 of 4 stars; one submission).

Conditions:
Early-infantile DEE. Also called: Ohtahara syndrome; Early infantile epileptic encephalopathy with suppression bursts; Early infantile epileptic encephalopathy. Identifiers: Orphanet 1934, MedGen C0393706, MONDO:0800491.

Submission:

Labcorp Genetics (formerly Invitae), Labcorp
Classification: Likely pathogenic for Early-infantile DEE. Last evaluated: 2020-01-08. Review status: criteria provided, single submitter. Criteria: Invitae Variant Classification Sherloc (09022015). Collection method: clinical testing. Allele origin: germline.
Comment: In summary, the currently available evidence indicates that the variant is pathogenic, but additional data are needed to prove that conclusively. Therefore, this variant has been classified as Likely Pathogenic. Algorithms developed to predict the effect of missense changes on protein structure and function are either unavailable or do not agree on the potential impact of this missense change (SIFT: "Tolerated"; PolyPhen-2: "Possibly Damaging"; Align-GVGD: "Class C0"). This variant has been observed in individual(s) with neonatal seizures (PMID: 28926830, Invitae). In at least one individual the variant was observed to be de novo. This variant is not present in population databases (ExAC no frequency). This sequence change replaces aspartic acid with glutamic acid at codon 355 of the KCNQ2 protein (p.Asp355Glu). The aspartic acid residue is highly conserved and there is a small physicochemical difference between aspartic acid and glutamic acid.

Literature cited by the submitters: PubMed 28926830.